The following is an entry in ClinVar:

ClinVar aggregate classification (germline): Pathogenic (1 of 4 stars; one submission).

Conditions:
Primary ciliary dyskinesia 3. Identifiers: Orphanet 244, MedGen C1837618, MONDO:0012085, OMIM 608644.

Submission:

Myriad Genetics, Inc.
Classification: Pathogenic for Primary ciliary dyskinesia 3. Last evaluated: 2025-02-09. Review status: criteria provided, single submitter. Criteria: Myriad Autosomal Dominant, Autosomal Recessive and X-Linked Classification Criteria (2023). Collection method: clinical testing. Allele origin: unknown.
Comment: NM_001369.2(DNAH5):c.5364dupG(L1789Afs*2) is expected to be pathogenic in the context of primary ciliary dyskinesia, DNAH5-related. This variant is predicted to lead to an abnormal or absent protein product due to the creation of a premature termination codon in DNAH5, a gene where loss-of-function variants are known to be pathogenic. Please note: this variant was assessed in the context of healthy population screening.

NM_001369.3(DNAH5):c.5364dup (p.Leu1789fs)

Gene: DNAH5 (dynein axonemal heavy chain 5; minus strand). Cytogenetic location: 5p15.2.
Variant type: Duplication.
Coding change: c.5364dup on transcript NM_001369.3 (MANE Select); coding-DNA position 5364, one base duplicated (G; older notation c.5364dupG).
Protein change: p.Leu1789fs; shifts the reading frame from leucine 1789.
Molecular consequence: frameshift variant.
Genome position (GRCh38, 1-based): chr5:13,841,812, C duplicated on the plus strand (G on the coding strand, the reverse complement: DNAH5 is on the minus strand); the first of 2 consecutive C bases (chr5:13,841,812-13,841,813); duplicating either gives the same sequence. VCF-style (leftmost placement, unchanged base first): chr5-13841811-G-GC. GRCh37 (hg19) VCF-style: chr5-13841920-G-GC.
Other names: short protein forms L1789fs.
Identifiers: ClinVar variation 5014080 (VCV005014080.1).